The following is an entry in ClinVar:

NM_002485.5(NBN):c.40G>A (p.Glu14Lys)

Gene: NBN (nibrin; minus strand). Cytogenetic location: 8q21.3.
Variant type: single nucleotide variant.
Coding change: c.40G>A on transcript NM_002485.5 (MANE Select); coding-DNA position 40, G replaced by A.
Protein change: p.Glu14Lys; replaces glutamic acid 14 with lysine.
Molecular consequence: missense variant. On other transcripts: 5 prime UTR variant (1).
Genome position (GRCh38, 1-based): chr8:89,982,853, C>T on the plus strand (G>A on the coding strand, the complement: NBN is on the minus strand). VCF-style: chr8-89982853-C-T. GRCh37 (hg19) VCF-style: chr8-90995081-C-T.
Other names: c.-257G>A (NM_001024688.3); short protein forms E14K.
Identifiers: ClinVar variation 234134 (VCV000234134.16), dbSNP rs745439506, ClinGen allele CA4803065.
Genomic context (GRCh38, chr8:89,982,853, plus strand): 5'-GAATGGCACAGTTTTTCCTTCCAACAACGTACTCAACGCCAGTCAAAAGTCTGTATGGTT[C>T]TCCTGAGATAAATTTTTTTTTAAAAAAAGATAAGTTGATAGACACATACACATGTACACG-3'
Protein context (NP_002476.2, residues 4-24): LLPAAGPAGG[Glu14Lys]PYRLLTGVEY

ClinVar aggregate classification (germline): Uncertain significance. Review status: criteria provided, multiple submitters, no conflicts (2 of 4 stars). 4 submissions from 4 submitters: Uncertain significance (4). Last evaluated 2021-11-07.

Conditions:
Hereditary cancer-predisposing syndrome. Also called: Tumor predisposition; Hereditary Cancer Syndrome; Hereditary neoplastic syndrome; Neoplastic Syndromes, Hereditary. Identifiers: Orphanet 140162, MedGen C0027672, MeSH D009386, MONDO:0015356.
Microcephaly, normal intelligence and immunodeficiency (NBS). Also called: IMMUNODEFICIENCY, MICROCEPHALY, AND CHROMOSOMAL INSTABILITY; SEEMANOVA SYNDROME II; Nijmegen breakage syndrome; Microcephaly with normal intelligence immunodeficiency and lymphoreticular malignancies; Nonsyndromal microcephaly autosomal recessive with normal intelligence; Seemanova syndrome 2. Identifiers: Orphanet 647, MedGen C0398791, MONDO:0009623, OMIM 251260.

Allele frequency attached by ClinVar (database versions not stated): gnomAD exomes below 0.00001; ExAC 0.00001.
gnomAD v4.1: 1 of 1,613,174 alleles (0.000062%); highest among the groups gnomAD compares: East Asian, 0.0022%; no homozygotes.

Submissions (4):

Genome-Nilou Lab
Classification: Uncertain significance for Microcephaly, normal intelligence and immunodeficiency. Last evaluated: 2021-11-07. Review status: criteria provided, single submitter. Criteria: ACMG Guidelines, 2015. Collection method: clinical testing. Allele origin: germline. Affected: no.

Labcorp Genetics (formerly Invitae), Labcorp
Classification: Uncertain significance for Microcephaly, normal intelligence and immunodeficiency. Last evaluated: 2021-08-27. Review status: criteria provided, single submitter. Criteria: Invitae Variant Classification Sherloc (09022015). Collection method: clinical testing. Allele origin: germline.
Comment: This sequence change replaces glutamic acid with lysine at codon 14 of the NBN protein (p.Glu14Lys). The glutamic acid residue is moderately conserved and there is a small physicochemical difference between glutamic acid and lysine. This variant is present in population databases (rs745439506, ExAC 0.01%). This variant has not been reported in the literature in individuals affected with NBN-related conditions. ClinVar contains an entry for this variant (Variation ID: 234134). Algorithms developed to predict the effect of missense changes on protein structure and function are either unavailable or do not agree on the potential impact of this missense change (SIFT: "Deleterious"; PolyPhen-2: "Benign"; Align-GVGD: "Class C0"). In summary, the available evidence is currently insufficient to determine the role of this variant in disease. Therefore, it has been classified as a Variant of Uncertain Significance.

Ambry Genetics
Classification: Uncertain significance for Hereditary cancer-predisposing syndrome. Last evaluated: 2020-11-03. Review status: criteria provided, single submitter. Criteria: Ambry Variant Classification Scheme 2023. Collection method: clinical testing. Allele origin: germline.
Comment: The p.E14K variant (also known as c.40G>A), located in coding exon 2 of the NBN gene, results from a G to A substitution at nucleotide position 40. The glutamic acid at codon 14 is replaced by lysine, an amino acid with similar properties. This amino acid position is well conserved in available vertebrate species. In addition, this alteration is predicted to be tolerated by in silico analysis. Since supporting evidence is limited at this time, the clinical significance of this alteration remains unclear.

GeneDx
Classification: Uncertain significance. Last evaluated: 2019-09-30. Review status: criteria provided, single submitter. Criteria: GeneDx Variant Classification Process June 2021. Collection method: clinical testing. Allele origin: germline. Affected: yes.
Comment: Not observed in large population cohorts (Lek 2016); In silico analysis, which includes protein predictors and evolutionary conservation, supports that this variant does not alter protein structure/function; Has not been previously published as pathogenic or benign to our knowledge